The following is an entry in ClinVar:

NM_001348716.2(KDM6B):c.3543C>T (p.Leu1181=)

Gene: KDM6B (lysine demethylase 6B; plus strand). Cytogenetic location: 17p13.1.
Variant type: single nucleotide variant.
Coding change: c.3543C>T on transcript NM_001348716.2 (MANE Select); coding-DNA position 3543, C replaced by T.
Protein change: p.Leu1181=; no amino-acid change (leucine 1181 retained).
Molecular consequence: synonymous variant.
Genome position (GRCh38, 1-based): chr17:7,849,923, C>T. VCF-style: chr17-7849923-C-T. GRCh37 (hg19) VCF-style: chr17-7753241-C-T.
Other names: c.3543C>T, p.Leu1181= (NM_001080424.2).
Identifiers: ClinVar variation 3257425 (VCV003257425.17).
Genomic context (GRCh38, chr17:7,849,923, plus strand): 5'-CCCTGCCCAGTCTGTGAAACCGAAGATCAACACTGAGGAGAAGCTGCCCCGGGAAAAACT[C>T]AACCCCCCTACACCCAGCATCTATGTATGTGTGCCACTTGGCCTCAGAACCACCCCTGCC-3'
Protein context (NP_001335645.1, residues 1171-1191): NTEEKLPREK[Leu1181=]NPPTPSIYLE

ClinVar aggregate classification (germline): Likely benign (1 of 4 stars; one submission).

gnomAD v4.1: 1 of 1,613,612 alleles (0.000062%); highest among the groups gnomAD compares: Non-Finnish European, 0.000085%; no homozygotes.

Submission:

CeGaT Center for Human Genetics Tuebingen
Classification: Likely benign. Last evaluated: 2024-07-01. Review status: criteria provided, single submitter. Criteria: CeGaT Center For Human Genetics Tuebingen Variant Classification Criteria Version 2. Collection method: clinical testing. Allele origin: germline. Affected: yes. Observed: 1 variant allele.
Comment: KDM6B: PM2:Supporting, BP4, BP7